The following is an entry in ClinVar:

ClinVar aggregate classification (germline): Pathogenic/Likely pathogenic. Review status: criteria provided, multiple submitters, no conflicts (2 of 4 stars). 2 submissions from 2 submitters: Pathogenic (1); Likely pathogenic (1). Last evaluated 2025-12-08.

Conditions:
Dilated cardiomyopathy 1DD (CMD1DD). Identifiers: Orphanet 154, MedGen C2750995, MONDO:0013168, OMIM 613172.

Submissions (2):

Labcorp Genetics (formerly Invitae), Labcorp
Classification: Pathogenic for Dilated cardiomyopathy 1DD. Last evaluated: 2025-12-08. Review status: criteria provided, single submitter. Criteria: Invitae Variant Classification Sherloc (09022015). Collection method: clinical testing. Allele origin: germline.
Comment: This sequence change creates a premature translational stop signal (p.Gln154*) in the RBM20 gene. It is expected to result in an absent or disrupted protein product. Loss-of-function variants in RBM20 are known to be pathogenic (PMID: 20590677, 22004663, 38288598, 38510713, 40339755). This variant is not present in population databases (gnomAD no frequency). This variant has not been reported in the literature in individuals affected with RBM20-related conditions. ClinVar contains an entry for this variant (Variation ID: 1163332). Algorithms developed to predict the effect of sequence changes on RNA splicing suggest that this variant may create or strengthen a splice site. For these reasons, this variant has been classified as Pathogenic.

Mayo Clinic Laboratories, Mayo Clinic
Classification: Likely pathogenic. Last evaluated: 2020-08-18. Review status: criteria provided, single submitter. Criteria: ACMG Guidelines, 2015. Collection method: clinical testing. Allele origin: germline. Observed: 1 variant allele.
Comment: PVS1, PM2

Literature cited by the submitters: PubMed 20590677 (cited by Labcorp Genetics (formerly Invitae), Labcorp); PubMed 22004663 (cited by Labcorp Genetics (formerly Invitae), Labcorp); PubMed 38288598 (cited by Labcorp Genetics (formerly Invitae), Labcorp); PubMed 38510713 (cited by Labcorp Genetics (formerly Invitae), Labcorp); PubMed 40339755 (cited by Labcorp Genetics (formerly Invitae), Labcorp).

NM_001134363.3(RBM20):c.460C>T (p.Gln154Ter)

Gene: RBM20 (RNA binding motif protein 20; plus strand). Cytogenetic location: 10q25.2.
Variant type: single nucleotide variant.
Coding change: c.460C>T on transcript NM_001134363.3 (MANE Select); coding-DNA position 460, C replaced by T.
Protein change: p.Gln154Ter; replaces glutamine 154 with a stop codon.
Molecular consequence: nonsense.
Genome position (GRCh38, 1-based): chr10:110,781,069, C>T. VCF-style: chr10-110781069-C-T. GRCh37 (hg19) VCF-style: chr10-112540827-C-T.
Other names: short protein forms Q154*.
Identifiers: ClinVar variation 1163332 (VCV001163332.8), dbSNP rs2135041646, ClinGen allele CA378380460.